The following is an entry in ClinVar:

ClinVar aggregate classification (germline): Uncertain significance (1 of 4 stars; one submission).

Conditions:
DICER1-related tumor predisposition. Also called: DICER1 syndrome; DICER1-related pleuropulmonary blastoma cancer predisposition syndrome. Identifiers: Orphanet 284343, MedGen C3839822, MONDO:0100216.

Submission:

Labcorp Genetics (formerly Invitae), Labcorp
Classification: Uncertain significance for DICER1-related tumor predisposition. Last evaluated: 2019-05-14. Review status: criteria provided, single submitter. Criteria: Invitae Variant Classification Sherloc (09022015). Collection method: clinical testing. Allele origin: germline.
Comment: In summary, the available evidence is currently insufficient to determine the role of this variant in disease. Therefore, it has been classified as a Variant of Uncertain Significance. Algorithms developed to predict the effect of missense changes on protein structure and function are either unavailable or do not agree on the potential impact of this missense change (SIFT: "Tolerated"; PolyPhen-2: "Probably Damaging"; Align-GVGD: "Class C0"). This variant has not been reported in the literature in individuals with DICER1-related conditions. This variant is not present in population databases (ExAC no frequency). This sequence change replaces threonine with asparagine at codon 655 of the DICER1 protein (p.Thr655Asn). The threonine residue is highly conserved and there is a small physicochemical difference between threonine and asparagine.

NM_177438.3(DICER1):c.1964C>A (p.Thr655Asn)

Gene: DICER1 (dicer 1, ribonuclease III; minus strand). Cytogenetic location: 14q32.13.
Variant type: single nucleotide variant.
Coding change: c.1964C>A on transcript NM_177438.3 (MANE Select); coding-DNA position 1964, C replaced by A.
Protein change: p.Thr655Asn; replaces threonine 655 with asparagine.
Molecular consequence: missense variant.
Genome position (GRCh38, 1-based): chr14:95,113,168, G>T on the plus strand (C>A on the coding strand, the complement: DICER1 is on the minus strand). VCF-style: chr14-95113168-G-T. GRCh37 (hg19) VCF-style: chr14-95579505-G-T.
Other names: c.1964C>A, p.Thr655Asn (NM_001195573.1, NM_001271282.3, NM_001291628.2 and 1 more transcripts); short protein forms T655N.
Identifiers: ClinVar variation 952485 (VCV000952485.11), dbSNP rs1892133207, ClinGen allele CA390883357.